The following is an entry in ClinVar:

ClinVar aggregate classification (germline): Conflicting classifications of pathogenicity. Review status: criteria provided, conflicting classifications (1 of 4 stars). 3 submissions from 3 submitters: Uncertain significance (1); Likely benign (1). 1 of the submissions does not count toward it. Last evaluated 2025-11-26.

Conditions:
Hereditary cancer-predisposing syndrome. Also called: Tumor predisposition; Hereditary neoplastic syndrome; Neoplastic Syndromes, Hereditary; Hereditary Cancer Syndrome. Identifiers: Orphanet 140162, MedGen C0027672, MeSH D009386, MONDO:0015356.
Ataxia-telangiectasia syndrome (AT). Also called: ATAXIA-TELANGIECTASIA, COMPLEMENTATION GROUP A; ATAXIA-TELANGIECTASIA, FRESNO VARIANT; Ataxia-telangiectasia; LOUIS-BAR SYNDROME; Cerebello-oculocutaneous telangiectasia; Immunodeficiency with ataxia telangiectasia. Identifiers: Orphanet 100, MedGen C0004135, MONDO:0008840, OMIM 208900.

Allele frequency attached by ClinVar (database versions not stated): gnomAD exomes below 0.00001.
gnomAD v4.1: 1 of 1,612,416 alleles (0.000062%); highest among the groups gnomAD compares: Non-Finnish European, 0.000085%; no homozygotes.

Submissions (3):

Labcorp Genetics (formerly Invitae), Labcorp
Classification: Uncertain significance for Ataxia-telangiectasia syndrome. Last evaluated: 2025-11-26. Review status: criteria provided, single submitter. Criteria: Invitae Variant Classification Sherloc (09022015). Collection method: clinical testing. Allele origin: germline.
Comment: This sequence change replaces histidine, which is basic and polar, with aspartic acid, which is acidic and polar, at codon 192 of the ATM protein (p.His192Asp). This variant is present in population databases (rs587780629, gnomAD 0.002%). This variant has not been reported in the literature in individuals affected with ATM-related conditions. ClinVar contains an entry for this variant (Variation ID: 135762). Invitae Evidence Modeling of protein sequence and biophysical properties (such as structural, functional, and spatial information, amino acid conservation, physicochemical variation, residue mobility, and thermodynamic stability) indicates that this missense variant is not expected to disrupt ATM protein function with a negative predictive value of 95%. In summary, the available evidence is currently insufficient to determine the role of this variant in disease. Therefore, it has been classified as a Variant of Uncertain Significance.

Ambry Genetics
Classification: Likely benign for Hereditary cancer-predisposing syndrome. Last evaluated: 2024-10-30. Review status: criteria provided, single submitter. Criteria: Ambry Variant Classification Scheme 2023. Collection method: clinical testing. Allele origin: germline.

Natera, Inc.
Classification: Uncertain significance for Ataxia-telangiectasia. Last evaluated: 2019-10-28. Review status: no assertion criteria provided. Collection method: clinical testing. Allele origin: germline. Not counted in ClinVar's aggregate classification.

NM_000051.4(ATM):c.574C>G (p.His192Asp)

Gene: ATM (ATM serine/threonine kinase; plus strand). Cytogenetic location: 11q22.3.
Variant type: single nucleotide variant.
Coding change: c.574C>G on transcript NM_000051.4 (MANE Select); coding-DNA position 574, C replaced by G.
Protein change: p.His192Asp; replaces histidine 192 with aspartic acid.
Molecular consequence: missense variant.
Genome position (GRCh38, 1-based): chr11:108,244,030, C>G. VCF-style: chr11-108244030-C-G. GRCh37 (hg19) VCF-style: chr11-108114757-C-G.
Other names: c.574C>G, p.His192Asp (NM_001351834.2); short protein forms H192D.
Identifiers: ClinVar variation 135762 (VCV000135762.18), dbSNP rs587780629, ClinGen allele CA332342.